The following is an entry in ClinVar:

ClinVar aggregate classification (germline): Uncertain significance (0 of 4 stars; one submission).

Conditions:
PCM1-related disorder. Also called: PCM1-related condition.

Submission:

PreventionGenetics, part of Exact Sciences
Classification: Uncertain significance for PCM1-related condition. Last evaluated: 2024-09-17. Review status: no assertion criteria provided. Collection method: clinical testing. Allele origin: germline.
Comment: The PCM1 c.5786C>T variant is predicted to result in the amino acid substitution p.Ala1929Val. To our knowledge, this variant has not been reported in the literature or in a large population database, indicating this variant is rare. At this time, the clinical significance of this variant is uncertain due to the absence of conclusive functional and genetic evidence.

NM_006197.4(PCM1):c.5657C>T (p.Ala1886Val)

Gene: PCM1 (pericentriolar material 1; plus strand). Cytogenetic location: 8p22.
Variant type: single nucleotide variant.
Coding change: c.5657C>T on transcript NM_006197.4 (MANE Select); coding-DNA position 5657, C replaced by T.
Protein change: p.Ala1886Val; replaces alanine 1886 with valine.
Molecular consequence: missense variant. On other transcripts: non-coding transcript variant (1), intron variant (2).
Genome position (GRCh38, 1-based): chr8:18,014,656, C>T. VCF-style: chr8-18014656-C-T. GRCh37 (hg19) VCF-style: chr8-17872165-C-T.
Other names: c.5633C>T, p.Ala1878Val (NM_001315507.2); c.5786C>T, p.Ala1929Val (NM_001352632.2); c.5771C>T, p.Ala1924Val (NM_001352633.2); c.5669C>T, p.Ala1890Val (NM_001352634.2); c.5636C>T, p.Ala1879Val (NM_001352635.2); c.5612C>T, p.Ala1871Val (NM_001352636.2); c.5609C>T, p.Ala1870Val (NM_001352637.2); c.5585C>T, p.Ala1862Val (NM_001352638.2); and 10 more; short protein forms A1823V, A1824V, A1827V, A1831V, A1832V, A1835V, A1862V, A1870V.
Identifiers: ClinVar variation 3345435 (VCV003345435.1).